The following is an entry in ClinVar:

NM_144573.4(NEXN):c.1322G>A (p.Gly441Asp)

Gene: NEXN (nexilin F-actin binding protein; plus strand). Cytogenetic location: 1p31.1.
Variant type: single nucleotide variant.
Coding change: c.1322G>A on transcript NM_144573.4 (MANE Select); coding-DNA position 1322, G replaced by A.
Protein change: p.Gly441Asp; replaces glycine 441 with aspartic acid.
Molecular consequence: missense variant.
Genome position (GRCh38, 1-based): chr1:77,935,893, G>A. VCF-style: chr1-77935893-G-A. GRCh37 (hg19) VCF-style: chr1-78401578-G-A.
Other names: c.1130G>A, p.Gly377Asp (NM_001172309.2); short protein forms G377D, G441D.
Identifiers: ClinVar variation 1059663 (VCV001059663.9), dbSNP rs2102155386, ClinGen allele CA340878653.

ClinVar aggregate classification (germline): Uncertain significance (1 of 4 stars; one submission).

Conditions:
Dilated cardiomyopathy 1CC (CMD1CC). Identifiers: Orphanet 154, MedGen C2751084, MONDO:0013147, OMIM 613122.
Hypertrophic cardiomyopathy 20. Identifiers: MedGen C3151267, MONDO:0013477, OMIM 613876.

Submission:

Labcorp Genetics (formerly Invitae), Labcorp
Classification: Uncertain significance for Dilated cardiomyopathy 1CC; Hypertrophic cardiomyopathy 20. Last evaluated: 2022-06-13. Review status: criteria provided, single submitter. Criteria: Invitae Variant Classification Sherloc (09022015). Collection method: clinical testing. Allele origin: germline.
Comment: This variant has not been reported in the literature in individuals affected with NEXN-related conditions. In summary, the available evidence is currently insufficient to determine the role of this variant in disease. Therefore, it has been classified as a Variant of Uncertain Significance. Algorithms developed to predict the effect of missense changes on protein structure and function are either unavailable or do not agree on the potential impact of this missense change (SIFT: "Deleterious"; PolyPhen-2: "Probably Damaging"; Align-GVGD: "Class C0"). ClinVar contains an entry for this variant (Variation ID: 1059663). This variant is not present in population databases (gnomAD no frequency). This sequence change replaces glycine, which is neutral and non-polar, with aspartic acid, which is acidic and polar, at codon 441 of the NEXN protein (p.Gly441Asp).